The following is an entry in ClinVar:

ClinVar aggregate classification (germline): Benign (1 of 4 stars; one submission).

Conditions:
Familial cancer of breast. Also called: hereditary breast carcinoma; BREAST CANCER, FAMILIAL; Hereditary breast cancer. Identifiers: Orphanet 227535, MedGen C0346153, MONDO:0016419, OMIM 114480. Disease mechanism: loss of function.

Allele frequency attached by ClinVar (database versions not stated): ExAC 0.00001.
gnomAD v4.1: 1 of 1,613,994 alleles (0.000062%); no homozygotes.

Submission:

Myriad Genetics, Inc.
Classification: Benign for Familial cancer of breast. Last evaluated: 2024-06-19. Review status: criteria provided, single submitter. Criteria: Myriad Autosomal Dominant, Autosomal Recessive and X-Linked Classification Criteria (2023). Collection method: clinical testing. Allele origin: unknown.
Comment: This variant is considered benign. This variant is a silent/synonymous amino acid change and it is not expected to impact splicing.

NM_000051.4(ATM):c.8280C>G (p.Leu2760=)

Genes: ATM (ATM serine/threonine kinase; plus strand), C11orf65 (chromosome 11 open reading frame 65; minus strand). Cytogenetic location: 11q22.3.
Variant type: single nucleotide variant.
Coding change: c.8280C>G on transcript NM_000051.4 (MANE Select); coding-DNA position 8280, C replaced by G.
Protein change: p.Leu2760=; no amino-acid change (leucine 2760 retained).
Molecular consequence: synonymous variant. On other transcripts: intron variant (2).
Genome position (GRCh38, 1-based): chr11:108,343,233, C>G. VCF-style: chr11-108343233-C-G. GRCh37 (hg19) VCF-style: chr11-108213960-C-G.
Other names: c.8280C>G, p.Leu2760= (NM_001351834.2); c.641-34162G>C (NM_001330368.2); c.695-7941G>C (NM_001351110.2).
Identifiers: ClinVar variation 3254335 (VCV003254335.1), dbSNP rs780325546.